The following is an entry in ClinVar:

NM_007272.3(CTRC):c.301T>C (p.Phe101Leu)

Gene: CTRC (chymotrypsin C; plus strand). Cytogenetic location: 1p36.21.
Variant type: single nucleotide variant.
Coding change: c.301T>C on transcript NM_007272.3 (MANE Select); coding-DNA position 301, T replaced by C.
Protein change: p.Phe101Leu; replaces phenylalanine 101 with leucine.
Molecular consequence: missense variant.
Genome position (GRCh38, 1-based): chr1:15,442,517, T>C. VCF-style: chr1-15442517-T-C. GRCh37 (hg19) VCF-style: chr1-15769013-T-C.
Other names: short protein forms F101L.
Identifiers: ClinVar variation 4826377 (VCV004826377.1).
Genomic context (GRCh38, chr1:15,442,517, plus strand): 5'-ACCTACCGTGTGGCCGTGGGAAAGAACAACCTGGAGGTGGAAGACGAAGAAGGATCCCTG[T>C]TTGTGGGTGTGGACACCATCCACGTCCACAAGAGATGGAATGCCCTCCTGTTGCGGTGAG-3'
Protein context (NP_009203.2, residues 91-111): LEVEDEEGSL[Phe101Leu]VGVDTIHVHK

ClinVar aggregate classification (germline): Uncertain significance (1 of 4 stars; one submission).

Conditions:
Hereditary pancreatitis (PCTT). Also called: Hereditary chronic pancreatitis; PRSS1-Related Hereditary Pancreatitis. Identifiers: Orphanet 676, MedGen C0238339, MONDO:0008185, OMIM 167800.

Submission:

Ambry Genetics
Classification: Uncertain significance for Hereditary pancreatitis. Last evaluated: 2026-02-24. Review status: criteria provided, single submitter. Criteria: Ambry Variant Classification Scheme 2023. Collection method: clinical testing. Allele origin: germline.
Comment: The p.F101L variant (also known as c.301T>C), located in coding exon 4 of the CTRC gene, results from a T to C substitution at nucleotide position 301. The phenylalanine at codon 101 is replaced by leucine, an amino acid with highly similar properties. This amino acid position is conserved. In addition, this alteration is predicted to be tolerated by in silico analysis. Based on the available evidence, the clinical significance of this variant remains unclear.